The following is an entry in ClinVar:

NM_058216.3(RAD51C):c.568G>A (p.Glu190Lys)

Gene: RAD51C (RAD51 paralog C; plus strand). Cytogenetic location: 17q22.
Variant type: single nucleotide variant.
Coding change: c.568G>A on transcript NM_058216.3 (MANE Select); coding-DNA position 568, G replaced by A.
Protein change: p.Glu190Lys; replaces glutamic acid 190 with lysine.
Molecular consequence: missense variant.
Genome position (GRCh38, 1-based): chr17:58,696,856, G>A. VCF-style: chr17-58696856-G-A. GRCh37 (hg19) VCF-style: chr17-56774217-G-A.
Other names: short protein forms E190K.
Identifiers: ClinVar variation 538763 (VCV000538763.12), dbSNP rs779932777, ClinGen allele CA8677258.

ClinVar aggregate classification (germline): Uncertain significance. Review status: criteria provided, multiple submitters, no conflicts (2 of 4 stars). 2 submissions from 2 submitters: Uncertain significance (2). Last evaluated 2025-11-05.

Conditions:
Hereditary cancer-predisposing syndrome. Also called: Neoplastic Syndromes, Hereditary; Tumor predisposition; Hereditary Cancer Syndrome; Hereditary neoplastic syndrome. Identifiers: Orphanet 140162, MedGen C0027672, MeSH D009386, MONDO:0015356.
Fanconi anemia complementation group O. Also called: RAD51C-Related Fanconi Anemia. Identifiers: Orphanet 84, MedGen C3150653, MONDO:0013248, OMIM 613390.

Allele frequency attached by ClinVar (database versions not stated): gnomAD exomes below 0.00001; ExAC 0.00001.
gnomAD v4.1: 1 of 1,614,108 alleles (0.000062%); highest among the groups gnomAD compares: Non-Finnish European, 0.000085%; no homozygotes.

Submissions (2):

Labcorp Genetics (formerly Invitae), Labcorp
Classification: Uncertain significance for Fanconi anemia complementation group O. Last evaluated: 2025-11-05. Review status: criteria provided, single submitter. Criteria: Invitae Variant Classification Sherloc (09022015). Collection method: clinical testing. Allele origin: germline.
Comment: This sequence change replaces glutamic acid, which is acidic and polar, with lysine, which is basic and polar, at codon 190 of the RAD51C protein (p.Glu190Lys). This variant is present in population databases (rs779932777, gnomAD 0.0009%). This variant has not been reported in the literature in individuals affected with RAD51C-related conditions. ClinVar contains an entry for this variant (Variation ID: 538763). An algorithm developed to predict the effect of missense changes on protein structure and function outputs the following: PolyPhen-2: "Benign". The lysine amino acid residue is found in multiple mammalian species, which suggests that this missense change does not adversely affect protein function. In summary, the available evidence is currently insufficient to determine the role of this variant in disease. Therefore, it has been classified as a Variant of Uncertain Significance.

Color Diagnostics, LLC DBA Color Health
Classification: Uncertain significance for Hereditary cancer-predisposing syndrome. Last evaluated: 2023-12-11. Review status: criteria provided, single submitter. Criteria: ACMG Guidelines, 2015. Collection method: clinical testing. Allele origin: germline.
Comment: This missense variant replaces glutamic acid with lysine at codon 190 of the RAD51C protein. Computational prediction suggests that this variant may not impact protein structure and function. To our knowledge, functional studies have not been reported for this variant. In an international breast cancer case-control meta-analysis, this variant was detected in 1/60466 cases and absent in 53461 unaffected controls (PMID: 33471991). This variant has been identified in 1/251456 chromosomes in the general population by the Genome Aggregation Database (gnomAD). The available evidence is insufficient to determine the role of this variant in disease conclusively. Therefore, this variant is classified as a Variant of Uncertain Significance.

Literature cited by the submitters: PubMed 33471991 (cited by Color Diagnostics, LLC DBA Color Health).